The following is an entry in ClinVar:

NM_004446.3(EPRS1):c.4144G>A (p.Val1382Ile)

Gene: EPRS1 (glutamyl-prolyl-tRNA synthetase 1; minus strand). Cytogenetic location: 1q41.
Variant type: single nucleotide variant.
Coding change: c.4144G>A on transcript NM_004446.3 (MANE Select); coding-DNA position 4144, G replaced by A.
Protein change: p.Val1382Ile; replaces valine 1382 with isoleucine.
Molecular consequence: missense variant.
Genome position (GRCh38, 1-based): chr1:219,973,338, C>T on the plus strand (G>A on the coding strand, the complement: EPRS1 is on the minus strand). VCF-style: chr1-219973338-C-T. GRCh37 (hg19) VCF-style: chr1-220146680-C-T.
Other names: c.4144G>A (NM_004446.2); short protein forms V1382I.
Identifiers: ClinVar variation 2042193 (VCV002042193.5), dbSNP rs181250691, ClinGen allele CA1399490.

ClinVar aggregate classification (germline): Conflicting classifications of pathogenicity. Review status: criteria provided, conflicting classifications (1 of 4 stars). 4 submissions from 4 submitters: Uncertain significance (3); Likely benign (1). Last evaluated 2025-08-24.

Conditions:
Inborn genetic diseases. Identifiers: MedGen C0950123, MeSH D030342.

Allele frequency attached by ClinVar (database versions not stated): gnomAD 0.00007; TOPMed 0.00014; 1000 Genomes Project 30x 0.00016; 1000 Genomes Project 0.00020.
gnomAD v4.1: 104 of 1,612,232 alleles (0.0065%); highest among the groups gnomAD compares: Admixed American, 0.14%; no homozygotes.

Submissions (4):

Ambry Genetics
Classification: Likely benign for Inborn genetic diseases. Last evaluated: 2025-08-24. Review status: criteria provided, single submitter. Criteria: Ambry Variant Classification Scheme 2023. Collection method: clinical testing. Allele origin: germline.

Labcorp Genetics (formerly Invitae), Labcorp
Classification: Uncertain significance. Last evaluated: 2024-12-02. Review status: criteria provided, single submitter. Criteria: Invitae Variant Classification Sherloc (09022015). Collection method: clinical testing. Allele origin: germline.
Comment: This sequence change replaces valine, which is neutral and non-polar, with isoleucine, which is neutral and non-polar, at codon 1382 of the EPRS protein (p.Val1382Ile). This variant is present in population databases (rs181250691, gnomAD 0.2%). This variant has not been reported in the literature in individuals affected with EPRS-related conditions. ClinVar contains an entry for this variant (Variation ID: 2042193). An algorithm developed to predict the effect of missense changes on protein structure and function (PolyPhen-2) suggests that this variant is likely to be disruptive. In summary, the available evidence is currently insufficient to determine the role of this variant in disease. Therefore, it has been classified as a Variant of Uncertain Significance.

Blueprint Genetics
Classification: Uncertain significance. Last evaluated: 2024-11-18. Review status: criteria provided, single submitter. Criteria: ACMG Guidelines, 2015. Collection method: clinical testing. Allele origin: germline.

GeneDx
Classification: Uncertain significance. Last evaluated: 2022-11-29. Review status: criteria provided, single submitter. Criteria: GeneDx Variant Classification Process June 2021. Collection method: clinical testing. Allele origin: germline. Affected: yes.
Comment: In silico analysis supports that this missense variant does not alter protein structure/function; Has not been previously published as pathogenic or benign to our knowledge; Variants in candidate genes are classified as variants of uncertain significance in accordance with ACMG guidelines (Richards et al., 2015)